The following is an entry in ClinVar:

ClinVar aggregate classification (germline): Uncertain significance. Review status: criteria provided, multiple submitters, no conflicts (2 of 4 stars). 2 submissions from 2 submitters: Uncertain significance (2). Last evaluated 2026-02-03.

Conditions:
Cardiovascular phenotype. Identifiers: MedGen CN230736.
Arrhythmogenic cardiomyopathy with wooly hair and keratoderma. Also called: Carvajal syndrome; Arrhythmogenic cardiomyopathy with woolly hair and keratoderma; PALMOPLANTAR KERATODERMA WITH LEFT VENTRICULAR CARDIOMYOPATHY AND WOOLLY HAIR; Dilated cardiomyopathy with woolly hair and keratoderma. Identifiers: Orphanet 65282, MedGen C1854063, MONDO:0011581, OMIM 605676.
Arrhythmogenic right ventricular dysplasia 8 (ARVD8). Also called: Arrhythmogenic Right Ventricular Dysplasia/Cardiomyopathy 8; ARRHYTHMOGENIC RIGHT VENTRICULAR DYSPLASIA, FAMILIAL, 8; ARRHYTHMOGENIC RIGHT VENTRICULAR CARDIOMYOPATHY 8. Identifiers: MedGen C1843896, MONDO:0011831, OMIM 607450.

Allele frequency attached by ClinVar (database versions not stated): gnomAD exomes below 0.00001.
gnomAD v4.1: 1 of 1,614,116 alleles (0.000062%); highest among the groups gnomAD compares: Admixed American, 0.0017%; no homozygotes.

Submissions (2):

Labcorp Genetics (formerly Invitae), Labcorp
Classification: Uncertain significance for Arrhythmogenic cardiomyopathy with wooly hair and keratoderma; Arrhythmogenic right ventricular dysplasia 8. Last evaluated: 2026-02-03. Review status: criteria provided, single submitter. Criteria: Invitae Variant Classification Sherloc (09022015). Collection method: clinical testing. Allele origin: germline.
Comment: This sequence change replaces lysine, which is basic and polar, with glutamic acid, which is acidic and polar, at codon 401 of the DSP protein (p.Lys401Glu). This variant is not present in population databases (gnomAD no frequency). This variant has not been reported in the literature in individuals affected with DSP-related conditions. ClinVar contains an entry for this variant (Variation ID: 2587391). An algorithm developed to predict the effect of missense changes on protein structure and function (PolyPhen-2) suggests that this variant is likely to be disruptive. In summary, the available evidence is currently insufficient to determine the role of this variant in disease. Therefore, it has been classified as a Variant of Uncertain Significance.

Ambry Genetics
Classification: Uncertain significance for Cardiovascular phenotype. Last evaluated: 2023-07-16. Review status: criteria provided, single submitter. Criteria: Ambry Variant Classification Scheme 2023. Collection method: clinical testing. Allele origin: germline.
Comment: The p.K401E variant (also known as c.1201A>G), located in coding exon 10 of the DSP gene, results from an A to G substitution at nucleotide position 1201. The lysine at codon 401 is replaced by glutamic acid, an amino acid with similar properties. This amino acid position is conserved. In addition, the in silico prediction for this alteration is inconclusive. Since supporting evidence is limited at this time, the clinical significance of this alteration remains unclear.

NM_004415.4(DSP):c.1201A>G (p.Lys401Glu)

Gene: DSP (desmoplakin; plus strand). Cytogenetic location: 6p24.3.
Variant type: single nucleotide variant.
Coding change: c.1201A>G on transcript NM_004415.4 (MANE Select); coding-DNA position 1201, A replaced by G.
Protein change: p.Lys401Glu; replaces lysine 401 with glutamic acid.
Molecular consequence: missense variant.
Genome position (GRCh38, 1-based): chr6:7,567,841, A>G. VCF-style: chr6-7567841-A-G. GRCh37 (hg19) VCF-style: chr6-7568074-A-G.
Other names: c.1201A>G, p.Lys401Glu (NM_001008844.3, NM_001319034.2, NM_001406591.1); short protein forms K401E.
Identifiers: ClinVar variation 2587391 (VCV002587391.5), dbSNP rs2533881734, ClinGen allele CA362676118.